The following is an entry in ClinVar:

ClinVar aggregate classification (germline): Benign/Likely benign. Review status: criteria provided, multiple submitters, no conflicts (2 of 4 stars). 3 submissions from 3 submitters: Benign (1); Likely benign (1). 1 of the submissions does not count toward it. Last evaluated 2025-12-22.

Conditions:
DSG4-related disorder. Also called: DSG4-related condition.

Submissions (3):

Labcorp Genetics (formerly Invitae), Labcorp
Classification: Benign. Last evaluated: 2025-12-22. Review status: criteria provided, single submitter. Criteria: Invitae Variant Classification Sherloc (09022015). Collection method: clinical testing. Allele origin: germline.

Blueprint Genetics
Classification: Likely benign. Last evaluated: 2024-11-27. Review status: criteria provided, single submitter. Criteria: ACMG Guidelines, 2015. Collection method: clinical testing. Allele origin: germline.

PreventionGenetics, part of Exact Sciences
Classification: Benign for DSG4-related condition. Last evaluated: 2020-05-19. Review status: no assertion criteria provided. Collection method: clinical testing. Allele origin: germline. Not counted in ClinVar's aggregate classification.
Comment: This variant is classified as benign based on ACMG/AMP sequence variant interpretation guidelines (Richards et al. 2015 PMID: 25741868, with internal and published modifications).

NM_177986.5(DSG4):c.2257_2295dup (p.Ser753_Thr765dup)

Genes: DSG1-AS1 (DSG1 antisense RNA 1; minus strand), DSG4 (desmoglein 4; plus strand). Cytogenetic location: 18q12.1.
Variant type: Duplication.
Coding change: c.2257_2295dup on transcript NM_177986.5 (MANE Select); coding-DNA positions 2257 to 2295, 39 bases duplicated.
Protein change: p.Ser753_Thr765dup.
Molecular consequence: inframe insertion.
Genome position (GRCh38, 1-based): chr18:31,411,350-31,411,388, 39 bases duplicated; duplicating any 39 consecutive bases within chr18:31,411,348-31,411,388 gives the same sequence; the c. name uses the placement nearest the transcript's 3' end. GRCh37 (hg19): chr18:28,991,313-28,991,351.
Other names: c.2314_2352dup, p.Ser772_Thr784dup (NM_001134453.3); c.2257_2295dup39 (NM_177986.4); c.2257_2295dup (NM_177986.4).
Identifiers: ClinVar variation 712859 (VCV000712859.11), dbSNP rs562979333, ClinGen allele CA8927274.
Genomic context (GRCh38, chr18:31,411,347, plus strand): 5'-GTGGAGCTCAACACAGGTATGGGGACAGCCGTTGGCCTCATGGCCGCAGGGGCCGCAGGA[G>GCCTCAGGGGCCGCAAGGAAGAGGAGCTCTACCATGGGAA]CCTCAGGGGCCGCAAGGAAGAGGAGCTCTACCATGGGAACCCTGCGGGACTACGCTGACG-3'